The following is an entry in ClinVar:

ClinVar aggregate classification (germline): Uncertain significance (1 of 4 stars; one submission).

Conditions:
Dilated cardiomyopathy 1AA (CMD1AA). Also called: CARDIOMYOPATHY, DILATED, 1AA, WITH OR WITHOUT LEFT VENTRICULAR NONCOMPACTION; CARDIOMYOPATHY, FAMILIAL HYPERTROPHIC, 23, WITH OR WITHOUT LEFT VENTRICULAR NONCOMPACTION; Cardiomyopathy, dilated, 1AA, with or without LVNC. Identifiers: Orphanet 154, MedGen C2677338, MONDO:0012808, OMIM 612158.
Primary familial hypertrophic cardiomyopathy (HCM). Identifiers: Orphanet 99739, MedGen C0949658, MeSH D024741, MONDO:0024573. Inheritance: Various modes of inheritance.

Submission:

Labcorp Genetics (formerly Invitae), Labcorp
Classification: Uncertain significance for Primary familial hypertrophic cardiomyopathy; Dilated cardiomyopathy 1AA. Last evaluated: 2025-12-20. Review status: criteria provided, single submitter. Criteria: Invitae Variant Classification Sherloc (09022015). Collection method: clinical testing. Allele origin: germline.
Comment: This sequence change replaces glutamic acid, which is acidic and polar, with aspartic acid, which is acidic and polar, at codon 628 of the ACTN2 protein (p.Glu628Asp). This variant is not present in population databases (gnomAD no frequency). This variant has not been reported in the literature in individuals affected with ACTN2-related conditions. Invitae Evidence Modeling of protein sequence and biophysical properties (such as structural, functional, and spatial information, amino acid conservation, physicochemical variation, residue mobility, and thermodynamic stability) indicates that this missense variant is not expected to disrupt ACTN2 protein function with a negative predictive value of 95%. In summary, the available evidence is currently insufficient to determine the role of this variant in disease. Therefore, it has been classified as a Variant of Uncertain Significance.

NM_001103.4(ACTN2):c.1884G>T (p.Glu628Asp)

Gene: ACTN2 (actinin alpha 2; plus strand). Cytogenetic location: 1q43.
Variant type: single nucleotide variant.
Coding change: c.1884G>T on transcript NM_001103.4 (MANE Select); coding-DNA position 1884, G replaced by T.
Protein change: p.Glu628Asp; replaces glutamic acid 628 with aspartic acid.
Molecular consequence: missense variant. On other transcripts: non-coding transcript variant (1).
Genome position (GRCh38, 1-based): chr1:236,753,991, G>T. VCF-style: chr1-236753991-G-T. GRCh37 (hg19) VCF-style: chr1-236917291-G-T.
Other names: c.1884G>T, p.Glu628Asp (NM_001278343.2); short protein forms E628D.
Identifiers: ClinVar variation 4792004 (VCV004792004.1).